The following is an entry in ClinVar:

ClinVar aggregate classification (germline): Uncertain significance (1 of 4 stars; one submission).

Submission:

Clinical Genomics Laboratory, Laboratory for Precision Diagnostics, University of Washington
Classification: Uncertain significance. Last evaluated: 2022-01-31. Review status: criteria provided, single submitter. Criteria: ACMG/ClinGen CNV Guidelines, 2019. Collection method: clinical testing. Allele origin: maternal. Affected: yes. Observed: 1 variant allele.
Comment: This deletion is approximately 610 kb in size and affects two protein-coding genes, BACH1 and GRIK1. Neither of these genes are known or predicted to be haploinsufficient nor currently has been associated with any medical problems in humans when one copy is deleted. This is not a known haploinsufficient genomic region. The classification of this deletion is uncertain, per ACMGG interpretation standards. A review of public databases (ClinVar, DECIPHER) and the medical literature shows no informative patients with a similar deletion. No similar deletions appear in the Database of Genomic Variants (DGV) and gnomAD, two databases of deletions found in healthy control people.

GRCh38/hg38 21q21.3(chr21:29242326-29851949)x1

Genes: BACH1 (BTB domain and CNC homolog 1; plus strand), BACH1-IT2 (BACH1 intronic transcript 2; plus strand), BACH1-IT3 (BACH1 intronic transcript 3; plus strand), GRIK1 (glutamate ionotropic receptor kainate type subunit 1; minus strand), GRIK1-AS1 (GRIK1 antisense RNA 1; plus strand) and 13 more. Cytogenetic location: 21q21.3.
Variant type: copy number loss.
Change: copy number 1 (one copy instead of two) of chr21:29,242,326-29,851,949 (609.6 kb, GRCh38 coordinates, 1-based), cytogenetic band 21q21.3.
Identifiers: ClinVar variation 4755378 (VCV004755378.1).